The following is an entry in ClinVar:

ClinVar aggregate classification (germline): Uncertain significance (1 of 4 stars; one submission).

Conditions:
Myopathy, proximal, and ophthalmoplegia (CMYO6). Also called: MYOPATHY WITH CONGENITAL JOINT CONTRACTURES, OPHTHALMOPLEGIA, AND RIMMED VACUOLES; INCLUSION BODY MYOPATHY 3, AUTOSOMAL DOMINANT; CONGENITAL MYOPATHY 6 WITH OPHTHALMOPLEGIA. Identifiers: Orphanet 363677, Orphanet 79091, MedGen C1854106, MONDO:0011577, OMIM 605637.

Allele frequency attached by ClinVar (database versions not stated): TOPMed below 0.00001; ESP Exome Variant Server 0.00008.

Submission:

Labcorp Genetics (formerly Invitae), Labcorp
Classification: Uncertain significance for Myopathy, proximal, and ophthalmoplegia. Last evaluated: 2024-10-21. Review status: criteria provided, single submitter. Criteria: Invitae Variant Classification Sherloc (09022015). Collection method: clinical testing. Allele origin: germline.
Comment: This sequence change replaces alanine, which is neutral and non-polar, with aspartic acid, which is acidic and polar, at codon 1842 of the MYH2 protein (p.Ala1842Asp). This variant is not present in population databases (gnomAD no frequency). This variant has not been reported in the literature in individuals affected with MYH2-related conditions. ClinVar contains an entry for this variant (Variation ID: 1982584). Invitae Evidence Modeling of protein sequence and biophysical properties (such as structural, functional, and spatial information, amino acid conservation, physicochemical variation, residue mobility, and thermodynamic stability) indicates that this missense variant is not expected to disrupt MYH2 protein function with a negative predictive value of 80%. In summary, the available evidence is currently insufficient to determine the role of this variant in disease. Therefore, it has been classified as a Variant of Uncertain Significance.

NM_017534.6(MYH2):c.5525C>A (p.Ala1842Asp)

Genes: MYH2 (myosin heavy chain 2; minus strand), MYHAS (myosin heavy chain gene cluster antisense RNA; plus strand). Cytogenetic location: 17p13.1.
Variant type: single nucleotide variant.
Coding change: c.5525C>A on transcript NM_017534.6 (MANE Select); coding-DNA position 5525, C replaced by A.
Protein change: p.Ala1842Asp; replaces alanine 1842 with aspartic acid.
Molecular consequence: missense variant.
Genome position (GRCh38, 1-based): chr17:10,523,360, G>T on the plus strand (C>A on the coding strand, the complement: MYH2 is on the minus strand). VCF-style: chr17-10523360-G-T. GRCh37 (hg19) VCF-style: chr17-10426677-G-T.
Other names: c.5525C>A, p.Ala1842Asp (NM_001100112.2); short protein forms A1842D.
Identifiers: ClinVar variation 1982584 (VCV001982584.4), dbSNP rs377255645, ClinGen allele CA287734706.